The following is an entry in ClinVar:

NM_001852.4(COL9A2):c.1401+19_1401+20delinsTT

Gene: COL9A2 (collagen type IX alpha 2 chain; minus strand). Cytogenetic location: 1p34.2.
Variant type: Indel.
Coding change: c.1401+19_1401+20delinsTT on transcript NM_001852.4 (MANE Select); bases 19 to 20 of the intron after coding-DNA position 1401, GC replaced by TT.
Molecular consequence: intron variant.
Genome position (GRCh38, 1-based): chr1:40,303,787-40,303,788, GC replaced by AA on the plus strand (GC replaced by TT on the coding strand, the reverse complement: COL9A2 is on the minus strand). VCF-style: chr1-40303787-GC-AA. GRCh37 (hg19) VCF-style: chr1-40769459-GC-AA.
Identifiers: ClinVar variation 2092941 (VCV002092941.4), dbSNP rs2522490227, ClinGen allele CA2580062978.

ClinVar aggregate classification (germline): Uncertain significance (1 of 4 stars; one submission).

Submission:

Labcorp Genetics (formerly Invitae), Labcorp
Classification: Uncertain significance. Last evaluated: 2022-03-28. Review status: criteria provided, single submitter. Criteria: Invitae Variant Classification Sherloc (09022015). Collection method: clinical testing. Allele origin: germline.
Comment: This variant has not been reported in the literature in individuals affected with COL9A2-related conditions. In summary, the available evidence is currently insufficient to determine the role of this variant in disease. Therefore, it has been classified as a Variant of Uncertain Significance. Experimental studies and prediction algorithms are not available or were not evaluated, and the effect of this variant on mRNA splicing is currently unknown. Information on the frequency of this variant in the gnomAD database is not available, as this variant may be reported differently in the database. This sequence change falls in intron 27 of the COL9A2 gene. It does not directly change the encoded amino acid sequence of the COL9A2 protein.